The following is an entry in ClinVar:

NM_018662.3(DISC1):c.2295T>A (p.Gly765=)

Genes: DISC1 (DISC1 scaffold protein; plus strand), TSNAX-DISC1 (TSNAX-DISC1 readthrough (NMD candidate); plus strand). Cytogenetic location: 1q42.2.
Variant type: single nucleotide variant.
Coding change: c.2295T>A on transcript NM_018662.3 (MANE Select); coding-DNA position 2295, T replaced by A.
Protein change: p.Gly765=; no amino-acid change (glycine 765 retained).
Molecular consequence: synonymous variant. On other transcripts: non-coding transcript variant (1), 3 prime UTR variant (2), intron variant (1).
Genome position (GRCh38, 1-based): chr1:232,009,037, T>A. VCF-style: chr1-232009037-T-A. GRCh37 (hg19) VCF-style: chr1-232144783-T-A.
Other names: c.2391T>A, p.Gly797= (NM_001164537.2); c.2295T>A, p.Gly765= (NM_001164538.2); c.1929T>A, p.Gly643= (NM_001164540.2); c.*146T>A (NM_001164541.2); c.*268T>A (NM_001164547.2); c.2241+54T>A (NM_001012957.2); c.2295T>A (NM_018662.2).
Identifiers: ClinVar variation 98360 (VCV000098360.3), dbSNP rs367543098, ClinGen allele CA225564.

ClinVar aggregate classification (germline): Likely benign. Review status: no assertion criteria provided (0 of 4 stars). 2 submissions from 2 submitters: Likely benign (1). 1 of the submissions does not count toward it. Last evaluated 2021-06-17.

Conditions:
DISC1-related disorder. Also called: DISC1-related condition.

Allele frequency attached by ClinVar (database versions not stated): gnomAD 0.00013; TOPMed 0.00016; ESP Exome Variant Server 0.00025.
gnomAD v4.1: 198 of 1,613,646 alleles (0.012%); highest among the groups gnomAD compares: Middle Eastern, 0.016%; no homozygotes.

Submissions (2):

PreventionGenetics, part of Exact Sciences
Classification: Likely benign for DISC1-related condition. Last evaluated: 2021-06-17. Review status: no assertion criteria provided. Collection method: clinical testing. Allele origin: germline.
Comment: This variant is classified as likely benign based on ACMG/AMP sequence variant interpretation guidelines (Richards et al. 2015 PMID: 25741868, with internal and published modifications).

Psychiatry Genetics Yale University
No classification provided. Review status: no classification provided. Collection method: not provided. Allele origin: not provided. Not counted in ClinVar's aggregate classification.